The following is an entry in ClinVar:

ClinVar aggregate classification (germline): Uncertain significance. Review status: criteria provided, multiple submitters, no conflicts (2 of 4 stars). 2 submissions from 2 submitters: Uncertain significance (2). Last evaluated 2025-03-11.

Conditions:
Inborn genetic diseases. Identifiers: MedGen C0950123, MeSH D030342.

Submissions (2):

Ambry Genetics
Classification: Uncertain significance for Inborn genetic diseases. Last evaluated: 2025-03-11. Review status: criteria provided, single submitter. Criteria: Ambry Variant Classification Scheme 2023. Collection method: clinical testing. Allele origin: germline.

Labcorp Genetics (formerly Invitae), Labcorp
Classification: Uncertain significance. Last evaluated: 2024-09-19. Review status: criteria provided, single submitter. Criteria: Invitae Variant Classification Sherloc (09022015). Collection method: clinical testing. Allele origin: germline.
Comment: This sequence change replaces arginine, which is basic and polar, with tryptophan, which is neutral and slightly polar, at codon 459 of the NLRP1 protein (p.Arg459Trp). This variant is present in population databases (no rsID available, gnomAD 0.01%). This variant has not been reported in the literature in individuals affected with NLRP1-related conditions. An algorithm developed to predict the effect of missense changes on protein structure and function (PolyPhen-2) suggests that this variant is likely to be disruptive. In summary, the available evidence is currently insufficient to determine the role of this variant in disease. Therefore, it has been classified as a Variant of Uncertain Significance.

NM_033004.4(NLRP1):c.1375C>T (p.Arg459Trp)

Gene: NLRP1 (NLR family pyrin domain containing 1; minus strand). Cytogenetic location: 17p13.2.
Variant type: single nucleotide variant.
Coding change: c.1375C>T on transcript NM_033004.4 (MANE Select); coding-DNA position 1375, C replaced by T.
Protein change: p.Arg459Trp; replaces arginine 459 with tryptophan.
Molecular consequence: missense variant.
Genome position (GRCh38, 1-based): chr17:5,559,321, G>A on the plus strand (C>T on the coding strand, the complement: NLRP1 is on the minus strand). VCF-style: chr17-5559321-G-A. GRCh37 (hg19) VCF-style: chr17-5462641-G-A.
Other names: c.1375C>T, p.Arg459Trp (NM_001033053.3, NM_014922.5, NM_033006.4 and 1 more transcripts); c.1375C>T (NM_033004.3); short protein forms R459W.
Identifiers: ClinVar variation 3696448 (VCV003696448.3).